The following is an entry in ClinVar:

ClinVar aggregate classification (germline): Uncertain significance (1 of 4 stars; one submission).

Conditions:
Neurodevelopmental disorder with speech impairment and dysmorphic facies. Identifiers: MedGen C5436699, MONDO:0033630, OMIM 619056.

gnomAD v4.1: 2 of 1,612,040 alleles (0.00012%); highest among the groups gnomAD compares: African/African-American, 0.0027%; no homozygotes.

Submission:

Pittsburgh Clinical Genomics Laboratory, University of Pittsburgh Medical Center
Classification: Uncertain significance for Neurodevelopmental disorder with speech impairment and dysmorphic facies. Last evaluated: 2024-06-28. Review status: criteria provided, single submitter. Criteria: ACMG Guidelines, 2015. Collection method: clinical testing. Allele origin: germline. Inheritance: Autosomal dominant inheritance. Affected: yes.
Comment: This sequence variant is a single nucleotide substitution (G>C) at position 2305 of the coding sequence of the SETD1A gene that results in an alanine to proline amino acid change at residue 769 of the SET domain containing 1A, histone lysine methyltransferase protein. This variant is absent from ClinVar and has not been observed in individuals affected by a SETD1A-related disorder in the published literature, to our knowledge. This variant is present in 2 of 1612040 alleles (0.00012%) in the gnomAD v4.1.0 population dataset. Bioinformatic tools are inconclusive if this amino acid change will be damaging or tolerated, and the Ala769 residue at this position is highly conserved across the vertebrate species examined. Studies examining the functional consequence of this variant have not been published, to our knowledge. At this time, there is insufficient evidence to determine if this variant is pathogenic or benign. Therefore, we consider this a variant of uncertain significance. ACMG Criteria: BP1, PM2

NM_014712.3(SETD1A):c.2305G>C (p.Ala769Pro)

Gene: SETD1A (SET domain containing 1A, histone lysine methyltransferase; plus strand). Cytogenetic location: 16p11.2.
Variant type: single nucleotide variant.
Coding change: c.2305G>C on transcript NM_014712.3 (MANE Select); coding-DNA position 2305, G replaced by C.
Protein change: p.Ala769Pro; replaces alanine 769 with proline.
Molecular consequence: missense variant.
Genome position (GRCh38, 1-based): chr16:30,966,186, G>C. VCF-style: chr16-30966186-G-C. GRCh37 (hg19) VCF-style: chr16-30977507-G-C.
Other names: short protein forms A769P.
Identifiers: ClinVar variation 3376347 (VCV003376347.1).
Genomic context (GRCh38, chr16:30,966,186, plus strand): 5'-CACCTGCCCATGCCAATGGCAGCCGAGCCCCTGCCCTCCTCCTCAGTCTCGGGAGAGGAG[G>C]CCCGGCTGCCACCCAGGGAAGAAGCAGAGCTGGCAGAGGGCAAGACCCTCCCGACAGCAG-3'
Protein context (NP_055527.1, residues 759-779): LPSSSVSGEE[Ala769Pro]RLPPREEAEL